The following is an entry in ClinVar:

NM_174878.3(CLRN1):c.668C>T (p.Thr223Ile)

Gene: CLRN1 (clarin 1; minus strand). Cytogenetic location: 3q25.1.
Variant type: single nucleotide variant.
Coding change: c.668C>T on transcript NM_174878.3 (MANE Select); coding-DNA position 668, C replaced by T.
Protein change: p.Thr223Ile; replaces threonine 223 with isoleucine.
Molecular consequence: missense variant. On other transcripts: 3 prime UTR variant (1), non-coding transcript variant (1), intron variant (1).
Genome position (GRCh38, 1-based): chr3:150,927,967, G>A on the plus strand (C>T on the coding strand, the complement: CLRN1 is on the minus strand). VCF-style: chr3-150927967-G-A. GRCh37 (hg19) VCF-style: chr3-150645754-G-A.
Other names: c.707C>T, p.Thr236Ile (NM_001195794.1); c.*282C>T (NM_001256819.2); c.342+98C>T (NM_052995.2); short protein forms T236I, T223I.
Identifiers: ClinVar variation 1975462 (VCV001975462.3), dbSNP rs1269481048, ClinGen allele CA354952819.

ClinVar aggregate classification (germline): Uncertain significance. Review status: criteria provided, multiple submitters, no conflicts (2 of 4 stars). 2 submissions from 2 submitters: Uncertain significance (2). Last evaluated 2023-10-01.

Conditions:
Retinal dystrophy. Also called: Inherited retinal dystrophy. Identifiers: Orphanet 71862, MedGen C0854723, MeSH D058499, MONDO:0019118, HP:0000556.

Allele frequency attached by ClinVar (database versions not stated): gnomAD 0.00001.
gnomAD v4.1: 3 of 1,614,044 alleles (0.00019%); highest among the groups gnomAD compares: Non-Finnish European, 0.00025%; no homozygotes.

Submissions (2):

Dept Of Ophthalmology, Nagoya University
Classification: Uncertain significance for Retinal dystrophy. Last evaluated: 2023-10-01. Review status: criteria provided, single submitter. Criteria: Submitter's publication. Collection method: research. Allele origin: germline. Affected: yes.

Labcorp Genetics (formerly Invitae), Labcorp
Classification: Uncertain significance. Last evaluated: 2021-09-24. Review status: criteria provided, single submitter. Criteria: Invitae Variant Classification Sherloc (09022015). Collection method: clinical testing. Allele origin: germline.
Comment: This sequence change replaces threonine with isoleucine at codon 223 of the CLRN1 protein (p.Thr223Ile). The threonine residue is highly conserved and there is a moderate physicochemical difference between threonine and isoleucine. This variant is not present in population databases (ExAC no frequency). This variant has not been reported in the literature in individuals with CLRN1-related conditions. Algorithms developed to predict the effect of missense changes on protein structure and function are either unavailable or do not agree on the potential impact of this missense change (SIFT: "Tolerated"; PolyPhen-2: "Possibly Damaging"; Align-GVGD: "Class C0"). In summary, the available evidence is currently insufficient to determine the role of this variant in disease. Therefore, it has been classified as a Variant of Uncertain Significance.